The following is an entry in ClinVar:

ClinVar aggregate classification (germline): Pathogenic (1 of 4 stars; one submission).

Conditions:
Neuromuscular disease caused by qualitative or quantitative defects of dystrophin. Also called: Qualitative or quantitative defects of dystrophin. Identifiers: Orphanet 207085, MedGen C5679787, MONDO:0016147.

Submission:

Women's Health and Genetics/Laboratory Corporation of America, LabCorp
Classification: Pathogenic for Neuromuscular disease caused by qualitative or quantitative defects of dystrophin. Last evaluated: 2023-03-14. Review status: criteria provided, single submitter. Criteria: LabCorp Variant Classification Summary - May 2015. Collection method: clinical testing. Allele origin: germline.
Comment: Variant summary: The variant identified by MLPA or other technology involves the deletion of exons 8-33 in the DMD gene. A presumed nomenclature of c.(649+1_650-1)_(4674+1_4675-1)del has been designated for the purposes of this classification. Although exact breakpoints of this deletion are not known, it is expected to result in a frameshift in the DMD gene, a known mechanism of disease. The variant was absent in 16120 control chromosomes (gnomAD). c.(649+1_650-1)_(4674+1_4675-1)del has been reported in the literature in individuals affected with Dystrophinopathies (e.g. Covone_2001, Polavarapu_2019). These data indicate that the variant is likely associated with disease. To our knowledge, no experimental evidence demonstrating an impact on protein function has been reported. One clinical diagnostic laboratory has submitted a clinical-significance assessment for this variant to ClinVar after 2014 and classified the variant as pathogenic. Based on the evidence outlined above, the variant was classified as pathogenic.

Literature cited by the submitters: PubMed 31139960; PubMed 1864612.

NC_000023.10:g.(32398798_32404426)_(32717411_32827609)del

Gene: DMD (dystrophin; minus strand). Cytogenetic location: Xp21.1.
Variant type: Deletion.
Identifiers: ClinVar variation 2501154 (VCV002501154.1).